The following is an entry in ClinVar:

NM_004366.6(CLCN2):c.2386C>T (p.Gln796Ter)

Gene: CLCN2 (chloride voltage-gated channel 2; minus strand). Cytogenetic location: 3q27.1.
Variant type: single nucleotide variant.
Coding change: c.2386C>T on transcript NM_004366.6 (MANE Select); coding-DNA position 2386, C replaced by T.
Protein change: p.Gln796Ter; replaces glutamine 796 with a stop codon.
Molecular consequence: nonsense.
Genome position (GRCh38, 1-based): chr3:184,352,042, G>A on the plus strand (C>T on the coding strand, the complement: CLCN2 is on the minus strand). VCF-style: chr3-184352042-G-A. GRCh37 (hg19) VCF-style: chr3-184069830-G-A.
Other names: c.2335C>T, p.Gln779Ter (NM_001171087.3); c.2254C>T, p.Gln752Ter (NM_001171088.3); c.2386C>T, p.Gln796Ter (NM_001171089.3); short protein forms Q796*, Q752*, Q779*.
Identifiers: ClinVar variation 217796 (VCV000217796.3), dbSNP rs376823689, ClinGen allele CA347636.

ClinVar aggregate classification (germline): Likely pathogenic. Review status: criteria provided, single submitter (1 of 4 stars). 2 submissions from 2 submitters: Likely pathogenic (1). 1 of the submissions does not count toward it. Last evaluated 2018-09-25.

Conditions:
Leukoencephalopathy with mild cerebellar ataxia and white matter edema (LKPAT). Also called: CLCN2-Related Leukoencephalopathy; Leukoencephalopathy with white matter edema; Brain white matter edema; Leukoencephalopathy with ataxia. Identifiers: Orphanet 363540, MedGen C4554120, MONDO:0014292, OMIM 615651. Disease mechanism: loss of function.

Allele frequency attached by ClinVar (database versions not stated): ExAC 0.00001; ESP Exome Variant Server 0.00008.

Submissions (2):

GeneDx
Classification: Likely pathogenic. Last evaluated: 2018-09-25. Review status: criteria provided, single submitter. Criteria: GeneDx Variant Classification (06012015). Collection method: clinical testing. Allele origin: germline. Affected: yes.
Comment: The Q796X variant in the CLCN2 gene has not been reported previously as a pathogenic variant nor as a benign variant, to our knowledge. This variant is predicted to cause loss of normal protein function either through protein truncation or nonsense-mediated mRNA decay. The Q796X variant is observed in 1/15302 (0.0065%) alleles from individuals of African background in large population cohorts (Lek et al., 2016). We interpret Q796X as a likely pathogenic variant.

GeneReviews
No classification provided. Condition: Leukoencephalopathy with mild cerebellar ataxia and white matter edema. Review status: no classification provided. Collection method: literature only. Allele origin: germline. Affected: yes. Not counted in ClinVar's aggregate classification.

Literature cited by the submitters: NCBI Bookshelf NBK326661 (cited by GeneReviews).